The following is an entry in ClinVar:

ClinVar aggregate classification (germline): Uncertain significance. Review status: criteria provided, single submitter (1 of 4 stars). 2 submissions from 2 submitters: Uncertain significance (1). 1 of the submissions does not count toward it. Last evaluated 2023-06-27.

Conditions:
Carcinoma of colon (CRC). Also called: Colonic carcinoma; Colon carcinoma. Identifiers: MedGen C0699790, MONDO:0002032.
Familial cancer of breast. Also called: BREAST CANCER, FAMILIAL; hereditary breast carcinoma; Hereditary breast cancer. Identifiers: Orphanet 227535, MedGen C0346153, MONDO:0016419, OMIM 114480. Disease mechanism: loss of function.

Submissions (2):

Labcorp Genetics (formerly Invitae), Labcorp
Classification: Uncertain significance for Familial cancer of breast. Last evaluated: 2023-06-27. Review status: criteria provided, single submitter. Criteria: Invitae Variant Classification Sherloc (09022015). Collection method: clinical testing. Allele origin: germline.
Comment: An algorithm developed to predict the effect of missense changes on protein structure and function (PolyPhen-2) suggests that this variant is likely to be tolerated. In summary, the available evidence is currently insufficient to determine the role of this variant in disease. Therefore, it has been classified as a Variant of Uncertain Significance. ClinVar contains an entry for this variant (Variation ID: 830096). This variant has not been reported in the literature in individuals affected with PALB2-related conditions. This variant is not present in population databases (gnomAD no frequency). This sequence change replaces histidine, which is basic and polar, with asparagine, which is neutral and polar, at codon 83 of the PALB2 protein (p.His83Asn).

Leiden Open Variation Database
Classification: Uncertain significance for Colorectal cancer. Last evaluated: 2017-01-31. Review status: no assertion criteria provided. Collection method: curation. Allele origin: germline. Affected: yes. Not counted in ClinVar's aggregate classification.
Comment: Curators: Marc Tischkowitz, Arleen D. Auerbach. Submitter to LOVD: Melissa DeRycke.

NM_024675.4(PALB2):c.247C>A (p.His83Asn)

Gene: PALB2 (partner and localizer of BRCA2; minus strand). Cytogenetic location: 16p12.2.
Variant type: single nucleotide variant.
Coding change: c.247C>A on transcript NM_024675.4 (MANE Select); coding-DNA position 247, C replaced by A.
Protein change: p.His83Asn; replaces histidine 83 with asparagine.
Molecular consequence: missense variant.
Genome position (GRCh38, 1-based): chr16:23,636,299, G>T on the plus strand (C>A on the coding strand, the complement: PALB2 is on the minus strand). VCF-style: chr16-23636299-G-T. GRCh37 (hg19) VCF-style: chr16-23647620-G-T.
Other names: short protein forms H83N.
Identifiers: ClinVar variation 830096 (VCV000830096.4), dbSNP rs773732106, ClinGen allele CA395138914.